The following is an entry in ClinVar:

NM_003242.6(TGFBR2):c.1616G>A (p.Ser539Asn)

Gene: TGFBR2 (transforming growth factor beta receptor 2; plus strand). Cytogenetic location: 3p24.1.
Variant type: single nucleotide variant.
Coding change: c.1616G>A on transcript NM_003242.6 (MANE Select); coding-DNA position 1616, G replaced by A.
Protein change: p.Ser539Asn; replaces serine 539 with asparagine.
Molecular consequence: missense variant.
Genome position (GRCh38, 1-based): chr3:30,691,511, G>A. VCF-style: chr3-30691511-G-A. GRCh37 (hg19) VCF-style: chr3-30733003-G-A.
Other names: c.1691G>A, p.Ser564Asn (NM_001024847.3); c.1799G>A, p.Ser600Asn (NM_001407126.1); c.1724G>A, p.Ser575Asn (NM_001407127.1); c.1643G>A, p.Ser548Asn (NM_001407128.1); c.1619G>A, p.Ser540Asn (NM_001407129.1); c.1613G>A, p.Ser538Asn (NM_001407130.1); c.1511G>A, p.Ser504Asn (NM_001407132.1, NM_001407133.1, NM_001407134.1 and 2 more transcripts); c.1331G>A, p.Ser444Asn (NM_001407137.1); and 2 more; short protein forms S249N, S419N, S444N, S504N, S538N, S539N, S540N, S548N.
Identifiers: ClinVar variation 3223158 (VCV003223158.2), dbSNP rs1035228561, ClinGen allele CA351809674.

ClinVar aggregate classification (germline): Uncertain significance. Review status: criteria provided, multiple submitters, no conflicts (2 of 4 stars). 2 submissions from 2 submitters: Uncertain significance (2). Last evaluated 2024-07-20.

Conditions:
Familial thoracic aortic aneurysm and aortic dissection (TAAD). Also called: Thoracic aortic aneurysms and dissections. Identifiers: Orphanet 91387, MedGen C4707243, MONDO:0019625.
Loeys-Dietz syndrome 2 (LDS2). Also called: TGFBR2-Related Loeys-Dietz Syndrome; AORTIC ANEURYSM, FAMILIAL THORACIC 3; MARFAN SYNDROME, TYPE II; Marfan syndrome, type 2 (formerly); Marfan Syndrome type 2; Marfan like connective tissue disorder. Identifiers: Orphanet 284973, Orphanet 558, MedGen C2674574, MONDO:0012427, OMIM 610168.

gnomAD v4.1: 10 of 1,614,186 alleles (0.00062%); highest among the groups gnomAD compares: Non-Finnish European, 0.00085%; no homozygotes.

Submissions (2):

All of Us Research Program, National Institutes of Health
Classification: Uncertain significance for Loeys-Dietz syndrome 2. Last evaluated: 2024-07-20. Review status: criteria provided, single submitter. Criteria: ACMG Guidelines, 2015. Collection method: clinical testing. Allele origin: germline. Inheritance: Autosomal dominant inheritance. Observed: 1 variant allele, 1 heterozygote.
Comment: This missense variant replaces serine with asparagine at codon 539 of the TGFBR2 protein. Computational prediction suggests that this variant may not impact protein structure and function (internally defined REVEL score threshold <= 0.5, PMID: 27666373). To our knowledge, functional studies have not been reported for this variant. This variant has not been reported in individuals affected with TGFBR2-related disorders in the literature. This variant has not been identified in the general population by the Genome Aggregation Database (gnomAD). The available evidence is insufficient to determine the role of this variant in disease conclusively. Therefore, this variant is classified as a Variant of Uncertain Significance.

This study involves interpretation of variants in research participants for the purpose of population health screening. Participant phenotype was not available at the time of variant classification. Additional details can be found in publication PMID: 35346344, PMCID: PMC8962531

Ambry Genetics
Classification: Uncertain significance for Familial thoracic aortic aneurysm and aortic dissection. Last evaluated: 2023-11-22. Review status: criteria provided, single submitter. Criteria: Ambry Variant Classification Scheme 2023. Collection method: clinical testing. Allele origin: germline.
Comment: The p.S539N variant (also known as c.1616G>A), located in coding exon 7 of the TGFBR2 gene, results from a G to A substitution at nucleotide position 1616. The serine at codon 539 is replaced by asparagine, an amino acid with highly similar properties. This amino acid position is conserved. In addition, this alteration is predicted to be tolerated by in silico analysis. Since supporting evidence is limited at this time, the clinical significance of this alteration remains unclear.